The following is an entry in ClinVar:

ClinVar aggregate classification (germline): Uncertain significance. Review status: criteria provided, multiple submitters, no conflicts (2 of 4 stars). 3 submissions from 3 submitters: Uncertain significance (3). Last evaluated 2025-07-24.

Conditions:
Cardiovascular phenotype. Identifiers: MedGen CN230736.

Allele frequency attached by ClinVar (database versions not stated): gnomAD exomes below 0.00001; TOPMed below 0.00001; gnomAD 0.00001.
gnomAD v4.1: 3 of 1,592,846 alleles (0.00019%); highest among the groups gnomAD compares: Non-Finnish European, 0.00026%; no homozygotes.

Submissions (3):

Molecular Diagnostic Laboratory for Inherited Cardiovascular Disease, Montreal Heart Institute
Classification: Uncertain significance for Cardiovascular phenotype. Last evaluated: 2025-07-24. Review status: criteria provided, single submitter. Criteria: ACMG Guidelines, 2015. Collection method: clinical testing. Allele origin: germline. Affected: yes.
Comment: PM2, BP1

Blueprint Genetics
Classification: Uncertain significance. Last evaluated: 2024-03-04. Review status: criteria provided, single submitter. Criteria: ACMG Guidelines, 2015. Collection method: clinical testing. Allele origin: germline.

Labcorp Genetics (formerly Invitae), Labcorp
Classification: Uncertain significance. Last evaluated: 2023-04-15. Review status: criteria provided, single submitter. Criteria: Invitae Variant Classification Sherloc (09022015). Collection method: clinical testing. Allele origin: germline.
Comment: In summary, the available evidence is currently insufficient to determine the role of this variant in disease. Therefore, it has been classified as a Variant of Uncertain Significance. Advanced modeling of protein sequence and biophysical properties (such as structural, functional, and spatial information, amino acid conservation, physicochemical variation, residue mobility, and thermodynamic stability) performed at Invitae indicates that this missense variant is expected to disrupt ALPK3 protein function. This variant has not been reported in the literature in individuals affected with ALPK3-related conditions. This variant is present in population databases (no rsID available, gnomAD no frequency). This sequence change replaces leucine, which is neutral and non-polar, with proline, which is neutral and non-polar, at codon 1172 of the ALPK3 protein (p.Leu1172Pro).

NM_020778.5(ALPK3):c.2909T>C (p.Leu970Pro)

Gene: ALPK3 (alpha kinase 3; plus strand). Cytogenetic location: 15q25.3.
Variant type: single nucleotide variant.
Coding change: c.2909T>C on transcript NM_020778.5 (MANE Select); coding-DNA position 2909, T replaced by C.
Protein change: p.Leu970Pro; replaces leucine 970 with proline.
Molecular consequence: missense variant.
Genome position (GRCh38, 1-based): chr15:84,857,647, T>C. VCF-style: chr15-84857647-T-C. GRCh37 (hg19) VCF-style: chr15-85400878-T-C.
Other names: short protein forms L970P.
Identifiers: ClinVar variation 2788402 (VCV002788402.5), dbSNP rs1240962151, ClinGen allele CA393359224.